The following is an entry in ClinVar:

NM_024426.6(WT1):c.1288T>C (p.Phe430Leu)

Gene: WT1 (WT1 transcription factor; minus strand). Cytogenetic location: 11p13.
Variant type: single nucleotide variant.
Coding change: c.1288T>C on transcript NM_024426.6 (MANE Select); coding-DNA position 1288, T replaced by C.
Protein change: p.Phe430Leu; replaces phenylalanine 430 with leucine.
Molecular consequence: missense variant. On other transcripts: non-coding transcript variant (2), intron variant (1).
Genome position (GRCh38, 1-based): chr11:32,392,732, A>G on the plus strand (T>C on the coding strand, the complement: WT1 is on the minus strand). VCF-style: chr11-32392732-A-G. GRCh37 (hg19) VCF-style: chr11-32414278-A-G.
Other names: c.1237T>C, p.Phe413Leu (NM_000378.6, NM_001407045.1, NM_001407049.1); c.637T>C, p.Phe213Leu (NM_001198551.2); c.586T>C, p.Phe196Leu (NM_001198552.2); c.100T>C, p.Phe34Leu (NM_001367854.1); c.1282T>C, p.Phe428Leu (NM_001407044.1); c.1288T>C, p.Phe430Leu (NM_001407046.1, NM_024424.5); c.1165T>C, p.Phe389Leu (NM_001407047.1); c.1114T>C, p.Phe372Leu (NM_001407050.1); and 3 more; short protein forms F176L, F196L, F213L, F34L, F372L, F389L, F408L, F413L.
Identifiers: ClinVar variation 2506710 (VCV002506710.1), dbSNP rs2132921171, ClinGen allele CA379959383.

ClinVar aggregate classification (germline): Uncertain significance (1 of 4 stars; one submission).

Submission:

GeneDx
Classification: Uncertain significance. Last evaluated: 2022-12-21. Review status: criteria provided, single submitter. Criteria: GeneDx Variant Classification Process June 2021. Collection method: clinical testing. Allele origin: germline. Affected: yes.
Comment: Not observed at significant frequency in large population cohorts (gnomAD); In silico analysis supports that this missense variant has a deleterious effect on protein structure/function; Has not been previously published as pathogenic or benign to our knowledge; This variant is associated with the following publications: (PMID: 29294058)